The following is an entry in ClinVar:

NM_015450.3(POT1):c.1147C>T (p.Pro383Ser)

Gene: POT1 (protection of telomeres 1; minus strand). Cytogenetic location: 7q31.33.
Variant type: single nucleotide variant.
Coding change: c.1147C>T on transcript NM_015450.3 (MANE Select); coding-DNA position 1147, C replaced by T.
Protein change: p.Pro383Ser; replaces proline 383 with serine.
Molecular consequence: missense variant. On other transcripts: non-coding transcript variant (3).
Genome position (GRCh38, 1-based): chr7:124,842,823, G>A on the plus strand (C>T on the coding strand, the complement: POT1 is on the minus strand). VCF-style: chr7-124842823-G-A. GRCh37 (hg19) VCF-style: chr7-124482877-G-A.
Other names: c.754C>T, p.Pro252Ser (NM_001042594.2); short protein forms P252S, P383S.
Identifiers: ClinVar variation 652344 (VCV000652344.10), dbSNP rs1243926615, ClinGen allele CA369068126.

ClinVar aggregate classification (germline): Conflicting classifications of pathogenicity. Review status: criteria provided, conflicting classifications (1 of 4 stars). 2 submissions from 2 submitters: Uncertain significance (1); Likely benign (1). Last evaluated 2026-06-09.

Conditions:
Tumor predisposition syndrome 3 (TPDS3). Also called: LONG TELOMERE SYNDROME, POT1-RELATED; POT1 Tumor Predisposition; Melanoma, cutaneous malignant, susceptibility to, 10; Glioma susceptibility 9. Identifiers: Orphanet 618, MedGen C4014476, MONDO:0014368, OMIM 615848.
Hereditary cancer-predisposing syndrome. Also called: Tumor predisposition; Hereditary Cancer Syndrome; Neoplastic Syndromes, Hereditary; Hereditary neoplastic syndrome. Identifiers: Orphanet 140162, MedGen C0027672, MeSH D009386, MONDO:0015356.

Submissions (2):

Ambry Genetics
Classification: Likely benign for Hereditary cancer-predisposing syndrome. Last evaluated: 2026-06-09. Review status: criteria provided, single submitter. Criteria: Ambry Variant Classification Scheme 2023. Collection method: clinical testing. Allele origin: germline.

Labcorp Genetics (formerly Invitae), Labcorp
Classification: Uncertain significance for Tumor predisposition syndrome 3. Last evaluated: 2025-10-29. Review status: criteria provided, single submitter. Criteria: Invitae Variant Classification Sherloc (09022015). Collection method: clinical testing. Allele origin: germline.
Comment: This sequence change replaces proline, which is neutral and non-polar, with serine, which is neutral and polar, at codon 383 of the POT1 protein (p.Pro383Ser). This variant is not present in population databases (gnomAD no frequency). This variant has not been reported in the literature in individuals affected with POT1-related conditions. ClinVar contains an entry for this variant (Variation ID: 652344). Invitae Evidence Modeling of protein sequence and biophysical properties (such as structural, functional, and spatial information, amino acid conservation, physicochemical variation, residue mobility, and thermodynamic stability) indicates that this missense variant is not expected to disrupt POT1 protein function with a negative predictive value of 80%. In summary, the available evidence is currently insufficient to determine the role of this variant in disease. Therefore, it has been classified as a Variant of Uncertain Significance.